The following is an entry in ClinVar:

ClinVar aggregate classification (germline): Uncertain significance (1 of 4 stars; one submission).

Conditions:
Ataxia-telangiectasia syndrome (AT). Also called: Cerebello-oculocutaneous telangiectasia; Immunodeficiency with ataxia telangiectasia; Ataxia-telangiectasia, complementation group E; Ataxia-telangiectasia, complementation group D; AT, COMPLEMENTATION GROUP C; ATAXIA-TELANGIECTASIA, COMPLEMENTATION GROUP A. Identifiers: Orphanet 100, MedGen C0004135, MONDO:0008840, OMIM 208900.

Submission:

Labcorp Genetics (formerly Invitae), Labcorp
Classification: Uncertain significance for Ataxia-telangiectasia syndrome. Last evaluated: 2025-04-13. Review status: criteria provided, single submitter. Criteria: Invitae Variant Classification Sherloc (09022015). Collection method: clinical testing. Allele origin: germline.
Comment: This sequence change replaces leucine, which is neutral and non-polar, with valine, which is neutral and non-polar, at codon 3045 of the ATM protein (p.Leu3045Val). This variant is not present in population databases (gnomAD no frequency). This variant has not been reported in the literature in individuals affected with ATM-related conditions. ClinVar contains an entry for this variant (Variation ID: 566834). Invitae Evidence Modeling of protein sequence and biophysical properties (such as structural, functional, and spatial information, amino acid conservation, physicochemical variation, residue mobility, and thermodynamic stability) indicates that this missense variant is expected to disrupt ATM protein function with a positive predictive value of 95%. In summary, the available evidence is currently insufficient to determine the role of this variant in disease. Therefore, it has been classified as a Variant of Uncertain Significance.

NM_000051.4(ATM):c.9133C>G (p.Leu3045Val)

Genes: ATM (ATM serine/threonine kinase; plus strand), C11orf65 (chromosome 11 open reading frame 65; minus strand). Cytogenetic location: 11q22.3.
Variant type: single nucleotide variant.
Coding change: c.9133C>G on transcript NM_000051.4 (MANE Select); coding-DNA position 9133, C replaced by G.
Protein change: p.Leu3045Val; replaces leucine 3045 with valine.
Molecular consequence: missense variant. On other transcripts: intron variant (2).
Genome position (GRCh38, 1-based): chr11:108,365,470, C>G. VCF-style: chr11-108365470-C-G. GRCh37 (hg19) VCF-style: chr11-108236197-C-G.
Other names: c.9133C>G, p.Leu3045Val (NM_001351834.2); c.640+20450G>C (NM_001330368.2); c.694+20450G>C (NM_001351110.2); short protein forms L3045V.
Identifiers: ClinVar variation 566834 (VCV000566834.9), dbSNP rs1555152033, ClinGen allele CA382532083.